The following is an entry in ClinVar:

ClinVar aggregate classification (germline): Pathogenic/Likely pathogenic. Review status: criteria provided, multiple submitters, no conflicts (2 of 4 stars). 2 submissions from 2 submitters: Pathogenic (1); Likely pathogenic (1). Last evaluated 2021-04-13.

Conditions:
Beckwith-Wiedemann syndrome (BWS). Also called: Exomphalos macroglossia gigantism syndrome; EMG SYNDROME. Identifiers: Orphanet 116, MedGen C0004903, MONDO:0007534, OMIM 130650.

Submissions (2):

Labcorp Genetics (formerly Invitae), Labcorp
Classification: Pathogenic for Beckwith-Wiedemann syndrome. Last evaluated: 2021-04-13. Review status: criteria provided, single submitter. Criteria: Invitae Variant Classification Sherloc (09022015). Collection method: clinical testing. Allele origin: germline.
Comment: This sequence change creates a premature translational stop signal (p.Cys30*) in the CDKN1C gene. It is expected to result in an absent or disrupted protein product. Loss-of-function variants in CDKN1C are known to be pathogenic (PMID: 20503313). This variant is not present in population databases (ExAC no frequency). This variant has not been reported in the literature in individuals with CDKN1C-related conditions. For these reasons, this variant has been classified as Pathogenic.

Juno Genomics, Hangzhou Juno Genomics, Inc
Classification: Likely pathogenic for Beckwith-Wiedemann syndrome. Review status: criteria provided, single submitter. Criteria: ACMG Guidelines, 2015. Collection method: clinical testing. Allele origin: germline. Affected: yes.
Comment: Absent from controls (or at extremely low frequency if recessive) in Genome Aggregation Database, Exome Sequencing Project, 1000 Genomes Project, or Exome Aggregation Consortium.;Null variant in a gene where loss of function (LOF) is a known mechanism of disease.

Literature cited by the submitters: PubMed 20503313 (cited by Labcorp Genetics (formerly Invitae), Labcorp).

NM_001122630.2(CDKN1C):c.57C>A (p.Cys19Ter)

Gene: CDKN1C (cyclin dependent kinase inhibitor 1C; minus strand). Cytogenetic location: 11p15.4.
Variant type: single nucleotide variant.
Coding change: c.57C>A on transcript NM_001122630.2 (MANE Select); coding-DNA position 57, C replaced by A.
Protein change: p.Cys19Ter; replaces cysteine 19 with a stop codon.
Molecular consequence: nonsense.
Genome position (GRCh38, 1-based): chr11:2,885,400, G>T on the plus strand (C>A on the coding strand, the complement: CDKN1C is on the minus strand). VCF-style: chr11-2885400-G-T. GRCh37 (hg19) VCF-style: chr11-2906630-G-T.
Other names: c.90C>A, p.Cys30Ter (NM_000076.2, NM_001362474.2); c.57C>A, p.Cys19Ter (NM_001122631.2, NM_001362475.2); short protein forms C30*, C19*.
Identifiers: ClinVar variation 1411126 (VCV001411126.8), dbSNP rs759365577, ClinGen allele CA379147815.